The following is an entry in ClinVar:

ClinVar aggregate classification (germline): Uncertain significance (1 of 4 stars; one submission).

Allele frequency attached by ClinVar (database versions not stated): gnomAD exomes below 0.00001; TOPMed 0.00002; gnomAD 0.00003.
gnomAD v4.1: 6 of 1,614,056 alleles (0.00037%); highest among the groups gnomAD compares: African/African-American, 0.008%; no homozygotes.

Submission:

GeneDx
Classification: Uncertain significance. Last evaluated: 2017-09-11. Review status: criteria provided, single submitter. Criteria: GeneDx Variant Classification (06012015). Collection method: clinical testing. Allele origin: germline. Affected: yes.
Comment: A variant of uncertain significance has been identified in the ATP6V0A2 gene. The C196W variant has not been published as a pathogenic variant, nor has it been reported as a benign variant to our knowledge. The C196W variant is not observed in large population cohorts (Lek et al., 2016). The C196W variant is a non-conservative amino acid substitution, which is likely to impact secondary protein structure as these residues differ in polarity, charge, size and/or other properties. This substitution occurs at a position that is conserved across species; and in silico analysis predicts this variant is probably damaging to the protein structure/function. Based on the currently available information, it is unclear whether this variant is a pathogenic variant or a rare benign variant.

NM_012463.4(ATP6V0A2):c.588C>G (p.Cys196Trp)

Gene: ATP6V0A2 (ATPase H+ transporting V0 subunit a2; plus strand). Cytogenetic location: 12q24.31.
Variant type: single nucleotide variant.
Coding change: c.588C>G on transcript NM_012463.4 (MANE Select); coding-DNA position 588, C replaced by G.
Protein change: p.Cys196Trp; replaces cysteine 196 with tryptophan.
Molecular consequence: missense variant.
Genome position (GRCh38, 1-based): chr12:123,727,849, C>G. VCF-style: chr12-123727849-C-G. GRCh37 (hg19) VCF-style: chr12-124212396-C-G.
Other names: short protein forms C196W.
Identifiers: ClinVar variation 451928 (VCV000451928.2), dbSNP rs940128206, ClinGen allele CA245188650.